The following is an entry in ClinVar:

ClinVar aggregate classification (germline): Uncertain significance. Review status: criteria provided, multiple submitters, no conflicts (2 of 4 stars). 2 submissions from 2 submitters: Uncertain significance (2). Last evaluated 2025-09-11.

Conditions:
Inborn genetic diseases. Identifiers: MedGen C0950123, MeSH D030342.

Allele frequency attached by ClinVar (database versions not stated): gnomAD exomes 0.00002; gnomAD 0.00004 and 0.00005; TOPMed 0.00006.
gnomAD v4.1: 20 of 1,548,834 alleles (0.0013%); highest among the groups gnomAD compares: African/African-American, 0.012%; no homozygotes.

Submissions (2):

Ambry Genetics
Classification: Uncertain significance for Inborn genetic diseases. Last evaluated: 2025-09-11. Review status: criteria provided, single submitter. Criteria: Ambry Variant Classification Scheme 2023. Collection method: clinical testing. Allele origin: germline.

Labcorp Genetics (formerly Invitae), Labcorp
Classification: Uncertain significance. Last evaluated: 2024-10-29. Review status: criteria provided, single submitter. Criteria: Invitae Variant Classification Sherloc (09022015). Collection method: clinical testing. Allele origin: germline.
Comment: This sequence change replaces glutamic acid, which is acidic and polar, with lysine, which is basic and polar, at codon 40 of the CCBE1 protein (p.Glu40Lys). This variant is present in population databases (no rsID available, gnomAD 0.03%). This variant has not been reported in the literature in individuals affected with CCBE1-related conditions. ClinVar contains an entry for this variant (Variation ID: 1384800). An algorithm developed to predict the effect of missense changes on protein structure and function (PolyPhen-2) suggests that this variant is likely to be tolerated. In summary, the available evidence is currently insufficient to determine the role of this variant in disease. Therefore, it has been classified as a Variant of Uncertain Significance.

NM_133459.4(CCBE1):c.118G>A (p.Glu40Lys)

Gene: CCBE1 (collagen and calcium binding EGF domains 1; minus strand). Cytogenetic location: 18q21.32.
Variant type: single nucleotide variant.
Coding change: c.118G>A on transcript NM_133459.4 (MANE Select); coding-DNA position 118, G replaced by A.
Protein change: p.Glu40Lys; replaces glutamic acid 40 with lysine.
Molecular consequence: missense variant.
Genome position (GRCh38, 1-based): chr18:59,697,225, C>T on the plus strand (G>A on the coding strand, the complement: CCBE1 is on the minus strand). VCF-style: chr18-59697225-C-T. GRCh37 (hg19) VCF-style: chr18-57364457-C-T.
Other names: c.118G>A (NM_133459.3); short protein forms E40K.
Identifiers: ClinVar variation 1384800 (VCV001384800.8), dbSNP rs1258286870, ClinGen allele CA402717401.
Genomic context (GRCh38, chr18:59,697,225, plus strand): 5'-GCGCATCAAGCAGGAGCTCGCCCTCCGCTGGGGCTTGCAGCGCTTACCTGTCGCCGTCCT[C>T]CGGCTCCTCTCTGTAGGTCCACGTGTGTCCCAACGCCAGGAGCAGCAGCAGCGGACCCAG-3'
Protein context (NP_597716.1, residues 30-50): GHTWTYREEP[Glu40Lys]DGDREICSES